The following is an entry in ClinVar:

ClinVar aggregate classification (germline): Uncertain significance (1 of 4 stars; one submission).

Submission:

Labcorp Genetics (formerly Invitae), Labcorp
Classification: Uncertain significance. Last evaluated: 2022-06-28. Review status: criteria provided, single submitter. Criteria: Invitae Variant Classification Sherloc (09022015). Collection method: clinical testing. Allele origin: germline.
Comment: In summary, the available evidence is currently insufficient to determine the role of this variant in disease. Therefore, it has been classified as a Variant of Uncertain Significance. Algorithms developed to predict the effect of missense changes on protein structure and function (SIFT, PolyPhen-2, Align-GVGD) all suggest that this variant is likely to be tolerated. This sequence change replaces methionine, which is neutral and non-polar, with isoleucine, which is neutral and non-polar, at codon 1323 of the MCM3AP protein (p.Met1323Ile). This variant is not present in population databases (gnomAD no frequency). This variant has not been reported in the literature in individuals affected with MCM3AP-related conditions.

NM_003906.5(MCM3AP):c.3969G>T (p.Met1323Ile)

Gene: MCM3AP (minichromosome maintenance complex component 3 associated protein; minus strand). Cytogenetic location: 21q22.3.
Variant type: single nucleotide variant.
Coding change: c.3969G>T on transcript NM_003906.5 (MANE Select); coding-DNA position 3969, G replaced by T.
Protein change: p.Met1323Ile; replaces methionine 1323 with isoleucine.
Molecular consequence: missense variant.
Genome position (GRCh38, 1-based): chr21:46,254,808, C>A on the plus strand (G>T on the coding strand, the complement: MCM3AP is on the minus strand). VCF-style: chr21-46254808-C-A. GRCh37 (hg19) VCF-style: chr21-47674722-C-A.
Other names: short protein forms M1323I.
Identifiers: ClinVar variation 2011109 (VCV002011109.4), dbSNP rs2517355406, ClinGen allele CA410549149.